The following is an entry in ClinVar:

ClinVar aggregate classification (germline): Uncertain significance (1 of 4 stars; one submission).

Conditions:
Congenital hyperammonemia, type I. Also called: CPS I DEFICIENCY; Carbamoyl phosphate synthetase 1 deficiency; Hyperammonemia due to carbamoyl phosphate synthetase 1 deficiency; CPS 1 deficiency; Carbamyl phosphate synthetase (CPS) deficiency; Carbamoyl-phosphate synthase I deficiency. Identifiers: Orphanet 147, MedGen C4082171, MONDO:0009376, OMIM 237300.

Allele frequency attached by ClinVar (database versions not stated): gnomAD exomes 0.00001; TOPMed 0.00001.
gnomAD v4.1: 2 of 1,613,520 alleles (0.00012%); highest among the groups gnomAD compares: Admixed American, 0.0033%; no homozygotes.

Submission:

Labcorp Genetics (formerly Invitae), Labcorp
Classification: Uncertain significance for Congenital hyperammonemia, type I. Last evaluated: 2022-07-19. Review status: criteria provided, single submitter. Criteria: Invitae Variant Classification Sherloc (09022015). Collection method: clinical testing. Allele origin: germline.
Comment: This sequence change replaces aspartic acid, which is acidic and polar, with valine, which is neutral and non-polar, at codon 1123 of the CPS1 protein (p.Asp1123Val). This variant is present in population databases (no rsID available, gnomAD 0.006%). This variant has not been reported in the literature in individuals affected with CPS1-related conditions. ClinVar contains an entry for this variant (Variation ID: 1025985). Algorithms developed to predict the effect of missense changes on protein structure and function are either unavailable or do not agree on the potential impact of this missense change (SIFT: "Deleterious"; PolyPhen-2: "Benign"; Align-GVGD: "Class C0"). In summary, the available evidence is currently insufficient to determine the role of this variant in disease. Therefore, it has been classified as a Variant of Uncertain Significance.

NM_001875.5(CPS1):c.3368A>T (p.Asp1123Val)

Gene: CPS1 (carbamoyl-phosphate synthase 1; plus strand). Cytogenetic location: 2q34.
Variant type: single nucleotide variant.
Coding change: c.3368A>T on transcript NM_001875.5 (MANE Select); coding-DNA position 3368, A replaced by T.
Protein change: p.Asp1123Val; replaces aspartic acid 1123 with valine.
Molecular consequence: missense variant. On other transcripts: non-coding transcript variant (2).
Genome position (GRCh38, 1-based): chr2:210,648,504, A>T. VCF-style: chr2-210648504-A-T. GRCh37 (hg19) VCF-style: chr2-211513228-A-T.
Other names: c.3368A>T, p.Asp1123Val (NM_001122633.3, NM_001369257.1); c.3401A>T, p.Asp1134Val (NM_001369256.1); short protein forms D1123V, D1134V.
Identifiers: ClinVar variation 1025985 (VCV001025985.6), dbSNP rs1391357751, ClinGen allele CA350436562.
Genomic context (GRCh38, chr2:210,648,504, plus strand): 5'-ACATTTTTATTGTTGTTTCTATTAATTAGAATGAAGCACTGGAATTTGCAAAGTCTGTGG[A>T]CTACCCCTGCTTGTTGAGGCCTTCCTATGTTTTGAGGTAACACTGTATATTGTTTTCCAA-3'
Protein context (NP_001866.2, residues 1113-1133): NEALEFAKSV[Asp1123Val]YPCLLRPSYV